The following is an entry in ClinVar:

NM_000444.6(PHEX):c.505G>A (p.Val169Met)

Gene: PHEX (phosphate regulating endopeptidase X-linked; plus strand). Cytogenetic location: Xp22.11.
Variant type: single nucleotide variant.
Coding change: c.505G>A on transcript NM_000444.6 (MANE Select); coding-DNA position 505, G replaced by A.
Protein change: p.Val169Met; replaces valine 169 with methionine.
Molecular consequence: missense variant.
Genome position (GRCh38, 1-based): chrX:22,077,544, G>A. VCF-style: chrX-22077544-G-A. GRCh37 (hg19) VCF-style: chrX-22095662-G-A.
Other names: c.505G>A, p.Val169Met (NM_001282754.2); short protein forms V169M.
Identifiers: ClinVar variation 387440 (VCV000387440.10), dbSNP rs187824835, ClinGen allele CA10368054.

ClinVar aggregate classification (germline): Benign/Likely benign. Review status: criteria provided, multiple submitters, no conflicts (2 of 4 stars). 2 submissions from 2 submitters: Benign (1); Likely benign (1). Last evaluated 2025-06-12.

Allele frequency attached by ClinVar (database versions not stated): gnomAD exomes 0.00003 and 0.00005; ExAC 0.00005; ESP Exome Variant Server 0.00009; 1000 Genomes Project 30x 0.00083; gnomAD 0.00009; TOPMed 0.00018; 1000 Genomes Project 0.00053.
gnomAD v4.1: 44 of 1,210,063 alleles (0.0036%); highest among the groups gnomAD compares: Admixed American, 0.028%; no homozygotes.

Submissions (2):

Labcorp Genetics (formerly Invitae), Labcorp
Classification: Benign. Last evaluated: 2025-06-12. Review status: criteria provided, single submitter. Criteria: Invitae Variant Classification Sherloc (09022015). Collection method: clinical testing. Allele origin: germline.

GeneDx
Classification: Likely benign. Last evaluated: 2016-06-28. Review status: criteria provided, single submitter. Criteria: GeneDx Variant Classification (06012015). Collection method: clinical testing. Allele origin: germline. Affected: yes.
Comment: This variant is considered likely benign or benign based on one or more of the following criteria: it is a conservative change, it occurs at a poorly conserved position in the protein, it is predicted to be benign by multiple in silico algorithms, and/or has population frequency not consistent with disease.